The following is an entry in ClinVar:

NM_005378.6(MYCN):c.1139G>A (p.Ser380Asn)

Gene: MYCN (MYCN proto-oncogene, bHLH transcription factor; plus strand). Cytogenetic location: 2p24.3.
Variant type: single nucleotide variant.
Coding change: c.1139G>A on transcript NM_005378.6 (MANE Select); coding-DNA position 1139, G replaced by A.
Protein change: p.Ser380Asn; replaces serine 380 with asparagine.
Molecular consequence: missense variant. On other transcripts: 3 prime UTR variant (1).
Genome position (GRCh38, 1-based): chr2:15,945,841, G>A. VCF-style: chr2-15945841-G-A. GRCh37 (hg19) VCF-style: chr2-16085963-G-A.
Other names: c.1139G>A, p.Ser380Asn (NM_001293228.2); c.506G>A, p.Ser169Asn (NM_001293231.2); c.*1074G>A (NM_001293233.2); short protein forms S380N, S169N.
Identifiers: ClinVar variation 3637074 (VCV003637074.2).
Genomic context (GRCh38, chr2:15,945,841, plus strand): 5'-AGAGTGTCATCCCCCCAAAGGCTAAGAGCTTGAGCCCCCGAAACTCTGACTCGGAGGACA[G>A]TGAGCGTCGCAGAAACCACAACATCCTGGAGCGCCAGCGCCGCAACGACCTTCGGTCCAG-3'
Protein context (NP_005369.2, residues 370-390): LSPRNSDSED[Ser380Asn]ERRRNHNILE

ClinVar aggregate classification (germline): Uncertain significance (1 of 4 stars; one submission).

gnomAD v4.1: 6 of 1,613,972 alleles (0.00037%); highest among the groups gnomAD compares: African/African-American, 0.008%; no homozygotes.

Submission:

Labcorp Genetics (formerly Invitae), Labcorp
Classification: Uncertain significance. Last evaluated: 2025-02-17. Review status: criteria provided, single submitter. Criteria: Invitae Variant Classification Sherloc (09022015). Collection method: clinical testing. Allele origin: germline.
Comment: This sequence change replaces serine, which is neutral and polar, with asparagine, which is neutral and polar, at codon 380 of the MYCN protein (p.Ser380Asn). This variant is present in population databases (no rsID available, gnomAD 0.02%). This variant has not been reported in the literature in individuals affected with MYCN-related conditions. Invitae Evidence Modeling of protein sequence and biophysical properties (such as structural, functional, and spatial information, amino acid conservation, physicochemical variation, residue mobility, and thermodynamic stability) indicates that this missense variant is not expected to disrupt MYCN protein function with a negative predictive value of 95%. In summary, the available evidence is currently insufficient to determine the role of this variant in disease. Therefore, it has been classified as a Variant of Uncertain Significance.